The following is an entry in ClinVar:

NC_000017.10:g.(?_59543160)_(59545038_?)del

Gene: TBX4 (T-box transcription factor 4; plus strand). Cytogenetic location: 17q23.2.
Variant type: Deletion.
Identifiers: ClinVar variation 3243200 (VCV003243200.1).

ClinVar aggregate classification (germline): Pathogenic (1 of 4 stars; one submission).

Submission:

Labcorp Genetics (formerly Invitae), Labcorp
Classification: Pathogenic. Last evaluated: 2023-01-12. Review status: criteria provided, single submitter. Criteria: Invitae Variant Classification Sherloc (09022015). Collection method: clinical testing. Allele origin: unknown.
Comment: For these reasons, this variant has been classified as Pathogenic. A similar copy number variant has been observed in individual(s) with TBX4-related conditions (PMID: 30639323). This variant is a gross deletion of the genomic region encompassing exon(s) 3-4 of the TBX4 gene. This deletion is out-of-frame, and is expected to create a premature termination codon and result in an absent or disrupted protein product. Loss-of-function variants in TBX4 are known to be pathogenic (PMID: 15106123, 31151956, 31761294, 31965066, 32079640).

Literature cited by the submitters: PubMed 30639323; PubMed 15106123; PubMed 31151956; PubMed 31761294; PubMed 31965066; PubMed 32079640.